The following is an entry in ClinVar:

NM_001165963.4(SCN1A):c.2244G>A (p.Trp748Ter)

Gene: SCN1A (sodium voltage-gated channel alpha subunit 1; minus strand). Cytogenetic location: 2q24.3.
Variant type: single nucleotide variant.
Coding change: c.2244G>A on transcript NM_001165963.4 (MANE Select); coding-DNA position 2244, G replaced by A.
Protein change: p.Trp748Ter; replaces tryptophan 748 with a stop codon.
Molecular consequence: nonsense. On other transcripts: 5 prime UTR variant (1), non-coding transcript variant (1).
Genome position (GRCh38, 1-based): chr2:166,041,402, C>T on the plus strand (G>A on the coding strand, the complement: SCN1A is on the minus strand). VCF-style: chr2-166041402-C-T. GRCh37 (hg19) VCF-style: chr2-166897912-C-T.
Other names: c.2160G>A, p.Trp720Ter (NM_001165964.3, NM_001353957.2, NM_001353958.2); c.2244G>A, p.Trp748Ter (NM_001202435.3, NM_001353948.2); c.2211G>A, p.Trp737Ter (NM_001353949.2, NM_001353950.2, NM_001353951.2 and 2 more transcripts); c.2208G>A, p.Trp736Ter (NM_001353954.2, NM_001353955.2); c.2157G>A, p.Trp719Ter (NM_001353960.2); c.-215G>A (NM_001353961.2); short protein forms W719*, W720*, W736*, W737*, W748*.
Identifiers: ClinVar variation 1069251 (VCV001069251.42), dbSNP rs1553543340, ClinGen allele CA349064931.

ClinVar aggregate classification (germline): Pathogenic. Review status: criteria provided, multiple submitters, no conflicts (2 of 4 stars). 3 submissions from 3 submitters: Pathogenic (3). Last evaluated 2025-03-10.

Conditions:
Severe myoclonic epilepsy in infancy (DRVT). Also called: Dravet syndrome; SEVERE MYOCLONIC EPILEPSY OF INFANCY; DEVELOPMENTAL AND EPILEPTIC ENCEPHALOPATHY 6A; Epileptic encephalopathy, early infantile, 6 (Dravet syndrome); Severe Myoclonic Epilepsy in Infancy (SMEI). Identifiers: Orphanet 33069, MedGen C0751122, MONDO:0100135, OMIM 607208.
Early-infantile DEE. Also called: Early infantile epileptic encephalopathy; Ohtahara syndrome; Early infantile epileptic encephalopathy with suppression bursts. Identifiers: Orphanet 1934, MedGen C0393706, MONDO:0800491.

Submissions (3):

Labcorp Genetics (formerly Invitae), Labcorp
Classification: Pathogenic for Early-infantile DEE. Last evaluated: 2025-03-10. Review status: criteria provided, single submitter. Criteria: Invitae Variant Classification Sherloc (09022015). Collection method: clinical testing. Allele origin: germline.
Comment: This sequence change creates a premature translational stop signal (p.Trp748*) in the SCN1A gene. It is expected to result in an absent or disrupted protein product. Loss-of-function variants in SCN1A are known to be pathogenic (PMID: 17347258, 18930999). This variant is not present in population databases (gnomAD no frequency). This premature translational stop signal has been observed in individual(s) with severe myoclonic epilepsy of infancy (PMID: 23195492). ClinVar contains an entry for this variant (Variation ID: 1069251). For these reasons, this variant has been classified as Pathogenic.

Laboratory of Medical Genetics, National & Kapodistrian University of Athens
Classification: Pathogenic for Severe myoclonic epilepsy in infancy. Last evaluated: 2023-09-06. Review status: criteria provided, single submitter. Criteria: ACMG Guidelines, 2015. Collection method: clinical testing. Allele origin: germline. Affected: yes.
Comment: PVS1, PM2, PP5 - The variant has been reported in ClinVar by other laboratories (Variation ID 1069251). Low frequency in gnomAD population databases. Loss-of-function variants in SCN1A are known to be pathogenic (PMID: 17347258).

CeGaT Center for Human Genetics Tuebingen
Classification: Pathogenic. Last evaluated: 2021-11-01. Review status: criteria provided, single submitter. Criteria: CeGaT Center For Human Genetics Tuebingen Variant Classification Criteria Version 2. Collection method: clinical testing. Allele origin: germline. Affected: yes. Observed: 1 variant allele.

Literature cited by the submitters: PubMed 17347258 (cited by Labcorp Genetics (formerly Invitae), Labcorp); PubMed 18930999 (cited by Labcorp Genetics (formerly Invitae), Labcorp); PubMed 23195492 (cited by Labcorp Genetics (formerly Invitae), Labcorp).